The following is an entry in ClinVar:

ClinVar aggregate classification (germline): Uncertain significance (1 of 4 stars; one submission).

Conditions:
Cardiovascular phenotype. Identifiers: MedGen CN230736.

Submission:

Ambry Genetics
Classification: Uncertain significance for Cardiovascular phenotype. Last evaluated: 2020-03-03. Review status: criteria provided, single submitter. Criteria: Ambry Variant Classification Scheme 2023. Collection method: clinical testing. Allele origin: germline.
Comment: The p.N205K variant (also known as c.615C>G), located in coding exon 1 of the KCNJ5 gene, results from a C to G substitution at nucleotide position 615. The asparagine at codon 205 is replaced by lysine, an amino acid with similar properties. This amino acid position is not well conserved in available vertebrate species, and lysine is the reference amino acid in other vertebrate species. In addition, this alteration is predicted to be tolerated by in silico analysis. Since supporting evidence is limited at this time, the clinical significance of this alteration remains unclear.

NM_000890.5(KCNJ5):c.615C>G (p.Asn205Lys)

Gene: KCNJ5 (potassium inwardly rectifying channel subfamily J member 5; plus strand). Cytogenetic location: 11q24.3.
Variant type: single nucleotide variant.
Coding change: c.615C>G on transcript NM_000890.5 (MANE Select); coding-DNA position 615, C replaced by G.
Protein change: p.Asn205Lys; replaces asparagine 205 with lysine.
Molecular consequence: missense variant.
Genome position (GRCh38, 1-based): chr11:128,911,888, C>G. VCF-style: chr11-128911888-C-G. GRCh37 (hg19) VCF-style: chr11-128781783-C-G.
Other names: c.615C>G, p.Asn205Lys (NM_001354169.2); short protein forms N205K.
Identifiers: ClinVar variation 1751924 (VCV001751924.2), dbSNP rs370546974, ClinGen allele CA383249344.